The following is an entry in ClinVar:

NM_000455.5(STK11):c.616G>T (p.Ala206Ser)

Gene: STK11 (serine/threonine kinase 11; plus strand). Cytogenetic location: 19p13.3.
Variant type: single nucleotide variant.
Coding change: c.616G>T on transcript NM_000455.5 (MANE Select); coding-DNA position 616, G replaced by T.
Protein change: p.Ala206Ser; replaces alanine 206 with serine.
Molecular consequence: missense variant.
Genome position (GRCh38, 1-based): chr19:1,220,599, G>T. VCF-style: chr19-1220599-G-T. GRCh37 (hg19) VCF-style: chr19-1220598-G-T.
Other names: short protein forms A206S.
Identifiers: ClinVar variation 560789 (VCV000560789.3), dbSNP rs1555738357, ClinGen allele CA402949456.
Genomic context (GRCh38, chr19:1,220,599, plus strand): 5'-CCCTCCCGGGCACTCCCTGAGGGCTGCACGGCACCGCCACAGGCACTGCACCCGTTCGCG[G>T]CGGACGACACCTGCCGGACCAGCCAGGGCTCCCCGGCTTTCCAGCCGCCCGAGATTGCCA-3'
Protein context (NP_000446.1, residues 196-216): GVAEALHPFA[Ala206Ser]DDTCRTSQGS

ClinVar aggregate classification (germline): Uncertain significance. Review status: criteria provided, multiple submitters, no conflicts (2 of 4 stars). 2 submissions from 2 submitters: Uncertain significance (2). Last evaluated 2024-02-24.

Conditions:
Hereditary cancer-predisposing syndrome. Also called: Hereditary neoplastic syndrome; Neoplastic Syndromes, Hereditary; Tumor predisposition; Hereditary Cancer Syndrome. Identifiers: Orphanet 140162, MedGen C0027672, MeSH D009386, MONDO:0015356.

Submissions (2):

Ambry Genetics
Classification: Uncertain significance for Hereditary cancer-predisposing syndrome. Last evaluated: 2024-02-24. Review status: criteria provided, single submitter. Criteria: Ambry Variant Classification Scheme 2023. Collection method: clinical testing. Allele origin: germline.
Comment: The p.A206S variant (also known as c.616G>T), located in coding exon 5 of the STK11 gene, results from a G to T substitution at nucleotide position 616. The alanine at codon 206 is replaced by serine, an amino acid with similar properties. This amino acid position is conserved. In addition, this alteration is predicted to be tolerated by in silico analysis. Based on the available evidence, the clinical significance of this alteration remains unclear.

PreventionGenetics, part of Exact Sciences
Classification: Uncertain significance. Last evaluated: 2017-09-01. Review status: criteria provided, single submitter. Criteria: ACMG Guidelines, 2015. Collection method: clinical testing. Allele origin: germline.